The following is an entry in ClinVar:

NM_001034853.2(RPGR):c.1240G>C (p.Glu414Gln)

Gene: RPGR (retinitis pigmentosa GTPase regulator; minus strand). Cytogenetic location: Xp11.4.
Variant type: single nucleotide variant.
Coding change: c.1240G>C on transcript NM_001034853.2 (MANE Select); coding-DNA position 1240, G replaced by C.
Protein change: p.Glu414Gln; replaces glutamic acid 414 with glutamine.
Molecular consequence: missense variant. On other transcripts: non-coding transcript variant (6), intron variant (2).
Genome position (GRCh38, 1-based): chrX:38,298,961, C>G on the plus strand (G>C on the coding strand, the complement: RPGR is on the minus strand). VCF-style: chrX-38298961-C-G. GRCh37 (hg19) VCF-style: chrX-38158214-C-G.
Other names: NM_001034853.2(RPGR):c.1240G>C; p.Glu414Gln; c.1240G>C, p.Glu414Gln (NM_000328.3, NM_001367247.1); c.1237G>C, p.Glu413Gln (NM_001367245.1, NM_001367249.1, NM_001367250.1); c.1270G>C, p.Glu424Gln (NM_001367248.1); c.1060-1509G>C (NM_001367251.1, NM_001367246.1); short protein forms E414Q, E424Q, E413Q.
Identifiers: ClinVar variation 454510 (VCV000454510.17), dbSNP rs150549982, ClinGen allele CA10385514.

ClinVar aggregate classification (germline): Benign. Review status: reviewed by expert panel (3 of 4 stars). 6 submissions from 6 submitters: Benign (1). 5 of the submissions do not count toward it. Last evaluated 2025-05-20.

Conditions:
RPGR-related retinopathy. Also called: RPGR retinopathy. Identifiers: MedGen CN305589, MONDO:0100437.
Retinitis pigmentosa 3. Also called: CHOROIDORETINAL DEGENERATION WITH RETINAL REFLEX IN HETEROZYGOUS WOMEN. Identifiers: Orphanet 791, MedGen C1845667, MONDO:0010227, OMIM 300029.
Retinitis pigmentosa, X-linked, and sinorespiratory infections, with or without deafness (RPSRDF). Identifiers: Orphanet 247522, MedGen C2749137, OMIM 300455.
Macular degeneration, X-linked atrophic. Identifiers: Orphanet 1872, MedGen C3151784, MONDO:0010443, OMIM 300834.
X-linked cone-rod dystrophy 1 (CORDX1). Identifiers: Orphanet 1872, MedGen C1844776, MONDO:0010566, OMIM 304020.
Primary ciliary dyskinesia. Also called: Ciliary dyskinesia. Identifiers: Orphanet 244, MedGen C0008780, MONDO:0016575, HP:0012265.

Allele frequency attached by ClinVar (database versions not stated): gnomAD 0.00046 and 0.00048; gnomAD exomes 0.00005 and 0.00016; ExAC 0.00022; ESP Exome Variant Server 0.00038; TOPMed 0.00054; 1000 Genomes Project 0.00132; 1000 Genomes Project 30x 0.00146.
gnomAD v4.1: 118 of 1,209,890 alleles (0.0098%); highest among the groups gnomAD compares: African/African-American, 0.17%; 1 homozygote.

Submissions (6):

ClinGen X-linked Inherited Retinal Disease Variant Curation Expert Panel, ClinGen
Classification: Benign for RPGR-related retinopathy. Last evaluated: 2025-05-20. Review status: reviewed by expert panel. Criteria: ClinGen X LinkedIRD ACMG Specifications RPGR V1.0.0. Collection method: curation. Allele origin: germline. Inheritance: X-linked inheritance.
Comment: NM_001034853.2(RPGR):c.1240G>C is a missense variant predicted to cause the substitution of glutamate by glutamine at amino acid 414. This variant is present in gnomAD v.4.1.0 at a frequency of 0.00008303 among hemizygous individuals, with 33 variant alleles / 397,426 total alleles, which is higher than the ClinGen X-linked IRD VCEP BA1 threshold of >0.00005 (BA1). The computational predictor REVEL gives a score of 0.119, which is below the ClinGen X-linked IRD VCEP threshold of < 0.183 and predicts a non-damaging effect on the RPGR function. Additionally, the splicing impact predictor SpliceAI gives a delta score of 0.02, which is below the ClinGen X-linked IRD VCEP recommended threshold of <0.1 and does not strongly predict an impact on splicing (BP4_moderate). In summary, this variant is classified as benign for RPGR-related retinopathy based on the ACMG/AMP criteria applied, as specified by the ClinGen X-linked IRD VCEP: BA1, and BP4_moderate. (VCEP specifications version 1.0.0; date of approval 05/16/2025).

Labcorp Genetics (formerly Invitae), Labcorp
Classification: Benign for Primary ciliary dyskinesia. Last evaluated: 2026-01-28. Review status: criteria provided, single submitter. Criteria: Invitae Variant Classification Sherloc (09022015). Collection method: clinical testing. Allele origin: germline. Not counted in ClinVar's aggregate classification.

Blueprint Genetics
Classification: Likely benign. Last evaluated: 2022-11-18. Review status: criteria provided, single submitter. Criteria: ACMG Guidelines, 2015. Collection method: clinical testing. Allele origin: germline. Not counted in ClinVar's aggregate classification.

Fulgent Genetics
Classification: Likely benign for Retinitis pigmentosa 3; Retinitis pigmentosa, X-linked, and sinorespiratory infections, with or without deafness; Macular degeneration, X-linked atrophic; X-linked cone-rod dystrophy 1. Last evaluated: 2021-11-16. Review status: criteria provided, single submitter. Criteria: ACMG Guidelines, 2015. Collection method: clinical testing. Allele origin: unknown. Not counted in ClinVar's aggregate classification.

PreventionGenetics, part of Exact Sciences
Classification: Likely benign. Last evaluated: 2018-03-16. Review status: criteria provided, single submitter. Criteria: ACMG Guidelines, 2015. Collection method: clinical testing. Allele origin: germline. Not counted in ClinVar's aggregate classification.

Breakthrough Genomics
Classification: Benign. Review status: criteria provided, single submitter. Criteria: ACMG Guidelines, 2015. Collection method: not provided. Allele origin: germline. Inheritance: X-linked inheritance. Affected: yes. Not counted in ClinVar's aggregate classification.